The following is an entry in ClinVar:

NM_003105.6(SORL1):c.1678G>A (p.Glu560Lys)

Gene: SORL1 (sortilin related receptor 1; plus strand). Cytogenetic location: 11q24.1.
Variant type: single nucleotide variant.
Coding change: c.1678G>A on transcript NM_003105.6 (MANE Select); coding-DNA position 1678, G replaced by A.
Protein change: p.Glu560Lys; replaces glutamic acid 560 with lysine.
Molecular consequence: missense variant.
Genome position (GRCh38, 1-based): chr11:121,532,545, G>A. VCF-style: chr11-121532545-G-A. GRCh37 (hg19) VCF-style: chr11-121403254-G-A.
Other names: short protein forms E560K.
Identifiers: ClinVar variation 2053114 (VCV002053114.4), dbSNP rs150303243, ClinGen allele CA6328705.

ClinVar aggregate classification (germline): Uncertain significance (1 of 4 stars; one submission).

Allele frequency attached by ClinVar (database versions not stated): gnomAD 0.00010; gnomAD exomes 0.00013; ESP Exome Variant Server 0.00023; ExAC 0.00024; 1000 Genomes Project 0.00020; TOPMed 0.00011; 1000 Genomes Project 30x 0.00016.
gnomAD v4.1: 206 of 1,613,966 alleles (0.013%); highest among the groups gnomAD compares: Non-Finnish European, 0.016%; no homozygotes.

Submission:

Labcorp Genetics (formerly Invitae), Labcorp
Classification: Uncertain significance. Last evaluated: 2022-03-18. Review status: criteria provided, single submitter. Criteria: Invitae Variant Classification Sherloc (09022015). Collection method: clinical testing. Allele origin: germline.
Comment: In summary, the available evidence is currently insufficient to determine the role of this variant in disease. Therefore, it has been classified as a Variant of Uncertain Significance. Algorithms developed to predict the effect of missense changes on protein structure and function (SIFT, PolyPhen-2, Align-GVGD) all suggest that this variant is likely to be tolerated. This missense change has been observed in individual(s) with Alzheimer disease (PMID: 27026413, 28537274). This variant is present in population databases (rs150303243, gnomAD 0.03%), and has an allele count higher than expected for a pathogenic variant. This sequence change replaces glutamic acid, which is acidic and polar, with lysine, which is basic and polar, at codon 560 of the SORL1 protein (p.Glu560Lys).

Literature cited by the submitters: PubMed 27026413; PubMed 28537274.